The following is an entry in ClinVar:

NM_020223.4(FAM20C):c.1657_1659delinsATT (p.Val553Ile)

Gene: FAM20C (FAM20C golgi associated secretory pathway kinase; plus strand). Cytogenetic location: 7p22.3.
Variant type: Indel.
Coding change: c.1657_1659delinsATT on transcript NM_020223.4 (MANE Select); coding-DNA positions 1657 to 1659, GTG replaced by ATT.
Protein change: p.Val553Ile; replaces valine 553 with isoleucine.
Molecular consequence: missense variant.
Genome position (GRCh38, 1-based): chr7:259,882-259,884, GTG replaced by ATT. VCF-style: chr7-259882-GTG-ATT. GRCh37 (hg19) VCF-style: chr7-299848-GTG-ATT.
Other names: short protein forms V553I.
Identifiers: ClinVar variation 2871926 (VCV002871926.1), dbSNP rs2534751333, ClinGen allele CA2739266218.

ClinVar aggregate classification (germline): Uncertain significance (1 of 4 stars; one submission).

Submission:

Labcorp Genetics (formerly Invitae), Labcorp
Classification: Uncertain significance. Last evaluated: 2021-09-17. Review status: criteria provided, single submitter. Criteria: Invitae Variant Classification Sherloc (09022015). Collection method: clinical testing. Allele origin: germline.
Comment: Algorithms developed to predict the effect of missense changes on protein structure and function are either unavailable or do not agree on the potential impact of this missense change (SIFT: "Deleterious"; PolyPhen-2: "Probably Damaging"; Align-GVGD: "Class C0"). ClinVar contains an entry for this variant (Variation ID: 1055245). This variant has not been reported in the literature in individuals affected with FAM20C-related conditions. The frequency data for this variant in the population databases is not available, as this variant may be reported as separate entries in the ExAC database. This sequence change replaces valine with isoleucine at codon 553 of the FAM20C protein (p.Val553Ile). The valine residue is highly conserved and there is a small physicochemical difference between valine and isoleucine. In summary, the available evidence is currently insufficient to determine the role of this variant in disease. Therefore, it has been classified as a Variant of Uncertain Significance.